The following is an entry in ClinVar:

ClinVar aggregate classification (germline): Pathogenic (1 of 4 stars; one submission).

Conditions:
Neuronal ceroid lipofuscinosis. Also called: Neuronal Ceroid Lipofuscinoses. Identifiers: Orphanet 216, Orphanet 79263, MedGen C0027877, MONDO:0016295. Disease mechanism: loss of function.

Submission:

Myriad Genetics, Inc.
Classification: Pathogenic for Neuronal ceroid lipofuscinosis. Last evaluated: 2025-07-22. Review status: criteria provided, single submitter. Criteria: Myriad Autosomal Dominant, Autosomal Recessive and X-Linked Classification Criteria (2023). Collection method: clinical testing. Allele origin: unknown.
Comment: NM_017882.2(CLN6):c.128dupT(H44Pfs*88) is expected to be pathogenic in the context of neuronal ceroid lipofuscinosis, CLN6-related. This variant is predicted to lead to an abnormal or absent protein product due to the creation of a premature termination codon in CLN6, a gene where loss-of-function variants are known to be pathogenic. Please note: this variant was assessed in the context of healthy population screening.

NM_017882.3(CLN6):c.128dup (p.His44fs)

Gene: CLN6 (CLN6 transmembrane ER protein; minus strand). Cytogenetic location: 15q23.
Variant type: Duplication.
Coding change: c.128dup on transcript NM_017882.3 (MANE Select); coding-DNA position 128, one base duplicated (T; older notation c.128dupT).
Protein change: p.His44fs; shifts the reading frame from histidine 44.
Molecular consequence: frameshift variant.
Genome position (GRCh38, 1-based): chr15:68,218,606, A duplicated on the plus strand (T on the coding strand, the reverse complement: CLN6 is on the minus strand); the first of 2 consecutive A bases (chr15:68,218,606-68,218,607); duplicating either gives the same sequence. VCF-style (leftmost placement, unchanged base first): chr15-68218605-G-GA. GRCh37 (hg19) VCF-style: chr15-68510943-G-GA.
Other names: c.224dup, p.His76fs (NM_001411068.1); short protein forms H44fs, H76fs.
Identifiers: ClinVar variation 5014761 (VCV005014761.1).
Genomic context (GRCh38, chr15:68,218,605, plus strand): 5'-GGGACGCCCAAAGTCCAGAACCCAGTTCTGCAGTGTGAAGTAGAACCAGAGGTCGAGGTG[G>GA]AAGGGAGCCGTGCGGGCAGCCTCATCAGCGCTCACAGAGCCATGCCTGGGAAGGAACCAG-3'